The following is an entry in ClinVar:

NM_004360.5(CDH1):c.145G>A (p.Gly49Ser)

Gene: CDH1 (cadherin 1; plus strand). Cytogenetic location: 16q22.1.
Variant type: single nucleotide variant.
Coding change: c.145G>A on transcript NM_004360.5 (MANE Select); coding-DNA position 145, G replaced by A.
Protein change: p.Gly49Ser; replaces glycine 49 with serine.
Molecular consequence: missense variant. On other transcripts: 5 prime UTR variant (2).
Genome position (GRCh38, 1-based): chr16:68,738,393, G>A. VCF-style: chr16-68738393-G-A. GRCh37 (hg19) VCF-style: chr16-68772296-G-A.
Other names: c.145G>A (LRG_301t1); c.145G>A, p.Gly49Ser (NM_001317184.2); c.-1471G>A (NM_001317185.2); c.-1675G>A (NM_001317186.2); short protein forms G49S.
Identifiers: ClinVar variation 406627 (VCV000406627.16), dbSNP rs1060501223, ClinGen allele CA16614932.
Genomic context (GRCh38, chr16:68,738,393, plus strand): 5'-CACCCTGGCTTTGACGCCGAGAGCTACACGTTCACGGTGCCCCGGCGCCACCTGGAGAGA[G>A]GCCGCGTCCTGGGCAGAGGTGAGGGCGCGCTGCCGGTGTCCCTGGGCGGAGTAGGGAGGG-3'
Protein context (NP_004351.1, residues 39-59): FTVPRRHLER[Gly49Ser]RVLGRVNFED

ClinVar aggregate classification (germline): Uncertain significance. Review status: criteria provided, multiple submitters, no conflicts (2 of 4 stars). 2 submissions from 2 submitters: Uncertain significance (2). Last evaluated 2025-10-24.

Conditions:
Hereditary cancer-predisposing syndrome. Also called: Tumor predisposition; Neoplastic Syndromes, Hereditary; Hereditary Cancer Syndrome; Hereditary neoplastic syndrome. Identifiers: Orphanet 140162, MedGen C0027672, MeSH D009386, MONDO:0015356.
Hereditary diffuse gastric adenocarcinoma (HDGC). Also called: DIFFUSE GASTRIC AND LOBULAR BREAST CANCER SYNDROME. Identifiers: Orphanet 26106, MedGen C1708349, MONDO:0007648, OMIM 137215.

Allele frequency attached by ClinVar (database versions not stated): gnomAD below 0.00001 and 0.00001; TOPMed below 0.00001; gnomAD exomes 0.00001 and 0.00002.
gnomAD v4.1: 13 of 1,550,032 alleles (0.00084%); highest among the groups gnomAD compares: South Asian, 0.015%; no homozygotes.

Submissions (2):

Ambry Genetics
Classification: Uncertain significance for Hereditary cancer-predisposing syndrome. Last evaluated: 2025-10-24. Review status: criteria provided, single submitter. Criteria: Ambry Variant Classification Scheme 2023. Collection method: clinical testing. Allele origin: germline.
Comment: The p.G49S variant (also known as c.145G>A), located in coding exon 2 of the CDH1 gene, results from a G to A substitution at nucleotide position 145. The glycine at codon 49 is replaced by serine, an amino acid with similar properties. This amino acid position is conserved. In addition, this alteration is predicted to be tolerated by in silico analysis. Since supporting evidence is limited at this time, the clinical significance of this alteration remains unclear.

Labcorp Genetics (formerly Invitae), Labcorp
Classification: Uncertain significance for Hereditary diffuse gastric adenocarcinoma. Last evaluated: 2025-08-06. Review status: criteria provided, single submitter. Criteria: Invitae Variant Classification Sherloc (09022015). Collection method: clinical testing. Allele origin: germline.
Comment: This sequence change replaces glycine, which is neutral and non-polar, with serine, which is neutral and polar, at codon 49 of the CDH1 protein (p.Gly49Ser). This variant is present in population databases (no rsID available, gnomAD 0.01%). This variant has not been reported in the literature in individuals affected with CDH1-related conditions. ClinVar contains an entry for this variant (Variation ID: 406627). An algorithm developed to predict the effect of missense changes on protein structure and function (PolyPhen-2) suggests that this variant is likely to be disruptive. In summary, the available evidence is currently insufficient to determine the role of this variant in disease. Therefore, it has been classified as a Variant of Uncertain Significance.